The following is an entry in ClinVar:

NM_007294.4(BRCA1):c.5467+19C>G

Gene: BRCA1 (BRCA1 DNA repair associated; minus strand). Cytogenetic location: 17q21.31.
Variant type: single nucleotide variant.
Coding change: c.5467+19C>G on transcript NM_007294.4 (MANE Select); 19 bases into the intron after coding-DNA position 5467, C replaced by G.
Molecular consequence: intron variant.
Genome position (GRCh38, 1-based): chr17:43,047,624, G>C on the plus strand (C>G on the coding strand, the complement: BRCA1 is on the minus strand). VCF-style: chr17-43047624-G-C. GRCh37 (hg19) VCF-style: chr17-41199641-G-C.
Other names: c.2014+19C>G (NM_001408458.1, NM_001408461.1, NM_001408464.1 and 7 more transcripts); c.4576+19C>G (NM_001407967.1); c.5086+19C>G (NM_001407959.1); c.5200+19C>G (NM_001407931.1, NM_001407932.1, NM_001407928.1 and 4 more transcripts); c.5323+19C>G (NM_001407747.1, NM_001407745.1, NM_001407737.1 and 18 more transcripts); c.5083+19C>G (NM_001407962.1, NM_001407960.1); c.1654+19C>G (NM_001408512.1); c.1777+19C>G (NM_001408510.1); and 83 more.
Identifiers: ClinVar variation 868541 (VCV000868541.3), dbSNP rs2050971735, ClinGen allele CA916080737.

Conditions:
Breast-ovarian cancer, familial, susceptibility to, 1 (BROVCA1). Also called: BRCA1 Hereditary Breast and Ovarian Cancer; OVARIAN CANCER, SUSCEPTIBILITY TO. Identifiers: Orphanet 145, MedGen C2676676, MONDO:0011450, OMIM 604370. Disease mechanism: loss of function.

Submission:

Brotman Baty Institute, University of Washington
No classification provided (evidence only). Condition: Breast-ovarian cancer, familial 1. Review status: no classification provided. Collection method: in vitro. Allele origin: not applicable. Functional consequence: functionally_normal.
ClinVar note: "not provided" was previously submitted as the classification for the variant. However, the classification appeared to be based only on an observation of functional data so it was converted to no classification on 2025-07-30.